The following is an entry in ClinVar:

NM_004612.4(TGFBR1):c.23C>T (p.Pro8Leu)

Genes: TGFBR1 (transforming growth factor beta receptor 1; plus strand), LOC130002223 (ATAC-STARR-seq lymphoblastoid silent region 20124; plus strand). Cytogenetic location: 9q22.33.
Variant type: single nucleotide variant.
Coding change: c.23C>T on transcript NM_004612.4 (MANE Select); coding-DNA position 23, C replaced by T.
Protein change: p.Pro8Leu; replaces proline 8 with leucine.
Molecular consequence: missense variant.
Genome position (GRCh38, 1-based): chr9:99,105,228, C>T. VCF-style: chr9-99105228-C-T. GRCh37 (hg19) VCF-style: chr9-101867510-C-T.
Other names: p.P8L:CCG>CTG; c.23C>T, p.Pro8Leu (NM_001130916.3, NM_001306210.2); short protein forms P8L.
Identifiers: ClinVar variation 213861 (VCV000213861.2), dbSNP rs863223803, ClinGen allele CA323707.

ClinVar aggregate classification (germline): Uncertain significance. Review status: criteria provided, multiple submitters, no conflicts (2 of 4 stars). 2 submissions from 2 submitters: Uncertain significance (2). Last evaluated 2025-11-04.

Allele frequency attached by ClinVar (database versions not stated): gnomAD 0.00001; 1000 Genomes Project 30x 0.00016.

Submissions (2):

Women's Health and Genetics/Laboratory Corporation of America, LabCorp
Classification: Uncertain significance. Last evaluated: 2025-11-04. Review status: criteria provided, single submitter. Criteria: LabCorp Variant Classification Summary - May 2015. Collection method: clinical testing. Allele origin: germline.

GeneDx
Classification: Uncertain significance. Last evaluated: 2013-08-02. Review status: criteria provided, single submitter. Criteria: GeneDx Variant Classification (06012015). Collection method: clinical testing. Allele origin: germline. Affected: yes.
Comment: This variant was found in TAAD